The following is an entry in ClinVar:

NM_000254.3(MTR):c.2242A>G (p.Ile748Val)

Gene: MTR (5-methyltetrahydrofolate-homocysteine methyltransferase; plus strand). Cytogenetic location: 1q43.
Variant type: single nucleotide variant.
Coding change: c.2242A>G on transcript NM_000254.3 (MANE Select); coding-DNA position 2242, A replaced by G.
Protein change: p.Ile748Val; replaces isoleucine 748 with valine.
Molecular consequence: missense variant.
Genome position (GRCh38, 1-based): chr1:236,862,281, A>G. VCF-style: chr1-236862281-A-G. GRCh37 (hg19) VCF-style: chr1-237025581-A-G.
Other names: c.2089A>G, p.Ile697Val (NM_001291939.1); c.1021A>G, p.Ile341Val (NM_001291940.2); c.2242A>G, p.Ile748Val (NM_001410942.1); short protein forms I697V, I748V, I341V.
Identifiers: ClinVar variation 1975456 (VCV001975456.3), dbSNP rs1409075366, ClinGen allele CA345377968.

ClinVar aggregate classification (germline): Uncertain significance (1 of 4 stars; one submission).

Conditions:
Methylcobalamin deficiency type cblG (HMAG). Also called: Functional methionine synthase deficiency type cblG; HOMOCYSTINURIA-MEGALOBLASTIC ANEMIA, cblG COMPLEMENTATION TYPE; HOMOCYSTINURIA-MEGALOBLASTIC ANEMIA, cblG TYPE; HOMOCYSTINURIA-MEGALOBLASTIC ANEMIA DUE TO DEFECT IN COBALAMIN METABOLISM, cblG COMPLEMENTATION TYPE. Identifiers: Orphanet 2170, Orphanet 622, MedGen C1855128, MONDO:0009609, OMIM 250940.

Allele frequency attached by ClinVar (database versions not stated): gnomAD exomes 0.00001; TOPMed 0.00001.
gnomAD v4.1: 6 of 1,614,036 alleles (0.00037%); highest among the groups gnomAD compares: Non-Finnish European, 0.00051%; no homozygotes.

Submission:

Labcorp Genetics (formerly Invitae), Labcorp
Classification: Uncertain significance for Methylcobalamin deficiency type cblG. Last evaluated: 2025-03-10. Review status: criteria provided, single submitter. Criteria: Invitae Variant Classification Sherloc (09022015). Collection method: clinical testing. Allele origin: germline.
Comment: This sequence change replaces isoleucine, which is neutral and non-polar, with valine, which is neutral and non-polar, at codon 748 of the MTR protein (p.Ile748Val). This variant is not present in population databases (gnomAD no frequency). This variant has not been reported in the literature in individuals affected with MTR-related conditions. ClinVar contains an entry for this variant (Variation ID: 1975456). Invitae Evidence Modeling of protein sequence and biophysical properties (such as structural, functional, and spatial information, amino acid conservation, physicochemical variation, residue mobility, and thermodynamic stability) indicates that this missense variant is not expected to disrupt MTR protein function with a negative predictive value of 95%. In summary, the available evidence is currently insufficient to determine the role of this variant in disease. Therefore, it has been classified as a Variant of Uncertain Significance.